The following is an entry in ClinVar:

NM_022552.5(DNMT3A):c.1766A>G (p.Lys589Arg)

Gene: DNMT3A (DNA methyltransferase 3 alpha; minus strand). Cytogenetic location: 2p23.3.
Variant type: single nucleotide variant.
Coding change: c.1766A>G on transcript NM_022552.5 (MANE Select); coding-DNA position 1766, A replaced by G.
Protein change: p.Lys589Arg; replaces lysine 589 with arginine.
Molecular consequence: missense variant. On other transcripts: non-coding transcript variant (1).
Genome position (GRCh38, 1-based): chr2:25,244,240, T>C on the plus strand (A>G on the coding strand, the complement: DNMT3A is on the minus strand). VCF-style: chr2-25244240-T-C. GRCh37 (hg19) VCF-style: chr2-25467109-T-C.
Other names: c.1199A>G, p.Lys400Arg (NM_153759.3); c.1766A>G, p.Lys589Arg (NM_175629.2); c.1310A>G, p.Lys437Arg (NM_001320893.1); c.1097A>G, p.Lys366Arg (NM_001375819.1); short protein forms K366R, K589R, K437R, K400R.
Identifiers: ClinVar variation 2914177 (VCV002914177.4), dbSNP rs1324043719, ClinGen allele CA346071821.

ClinVar aggregate classification (germline): Uncertain significance. Review status: criteria provided, single submitter (1 of 4 stars). 2 submissions from 2 submitters: Uncertain significance (1). 1 of the submissions does not count toward it. Last evaluated 2024-09-30.

Conditions:
Tatton-Brown-Rahman overgrowth syndrome. Also called: Tatton-Brown-Rahman syndrome; Tall stature-intellectual disability-facial dysmorphism syndrome. Identifiers: Orphanet 404443, MedGen C4014545, MONDO:0014382, OMIM 615879.
DNMT3A-related disorder. Also called: DNMT3A-related condition; DNMT3A-related disorders.

Allele frequency attached by ClinVar (database versions not stated): TOPMed below 0.00001.
gnomAD v4.1: 1 of 1,614,014 alleles (0.000062%); highest among the groups gnomAD compares: Non-Finnish European, 0.000085%; no homozygotes.

Submissions (2):

Labcorp Genetics (formerly Invitae), Labcorp
Classification: Uncertain significance for Tatton-Brown-Rahman overgrowth syndrome. Last evaluated: 2024-09-30. Review status: criteria provided, single submitter. Criteria: Invitae Variant Classification Sherloc (09022015). Collection method: clinical testing. Allele origin: germline.
Comment: This sequence change replaces lysine, which is basic and polar, with arginine, which is basic and polar, at codon 589 of the DNMT3A protein (p.Lys589Arg). This variant is not present in population databases (gnomAD no frequency). This variant has not been reported in the literature in individuals affected with DNMT3A-related conditions. Invitae Evidence Modeling of protein sequence and biophysical properties (such as structural, functional, and spatial information, amino acid conservation, physicochemical variation, residue mobility, and thermodynamic stability) indicates that this missense variant is not expected to disrupt DNMT3A protein function with a negative predictive value of 80%. In summary, the available evidence is currently insufficient to determine the role of this variant in disease. Therefore, it has been classified as a Variant of Uncertain Significance.

PreventionGenetics, part of Exact Sciences
Classification: Uncertain significance for DNMT3A-related condition. Last evaluated: 2024-05-16. Review status: no assertion criteria provided. Collection method: clinical testing. Allele origin: germline. Not counted in ClinVar's aggregate classification.
Comment: The DNMT3A c.1766A>G variant is predicted to result in the amino acid substitution p.Lys589Arg. To our knowledge, this variant has not been reported in the literature or in a large population database, indicating this variant is rare. At this time, the clinical significance of this variant is uncertain due to the absence of conclusive functional and genetic evidence.